The following is an entry in ClinVar:

ClinVar aggregate classification (germline): Uncertain significance. Review status: criteria provided, multiple submitters, no conflicts (2 of 4 stars). 2 submissions from 2 submitters: Uncertain significance (2). Last evaluated 2025-09-28.

Conditions:
Inborn genetic diseases. Identifiers: MedGen C0950123, MeSH D030342.

Submissions (2):

Ambry Genetics
Classification: Uncertain significance for Inborn genetic diseases. Last evaluated: 2025-09-28. Review status: criteria provided, single submitter. Criteria: Ambry Variant Classification Scheme 2023. Collection method: clinical testing. Allele origin: germline.

GeneDx
Classification: Uncertain significance. Last evaluated: 2025-05-17. Review status: criteria provided, single submitter. Criteria: GeneDx Variant Classification Process June 2021. Collection method: clinical testing. Allele origin: germline. Affected: yes.
Comment: Not observed at significant frequency in large population cohorts (gnomAD); Has not been previously published as pathogenic or benign to our knowledge; In silico analysis supports that this missense variant has a deleterious effect on protein structure/function; In silico analysis suggests this variant may impact gene splicing. In the absence of RNA/functional studies, the actual effect of this sequence change is unknown.

NM_004434.3(EML1):c.1053T>G (p.His351Gln)

Gene: EML1 (EMAP like 1; plus strand). Cytogenetic location: 14q32.2.
Variant type: single nucleotide variant.
Coding change: c.1053T>G on transcript NM_004434.3 (MANE Select); coding-DNA position 1053, T replaced by G.
Protein change: p.His351Gln; replaces histidine 351 with glutamine.
Molecular consequence: missense variant.
Genome position (GRCh38, 1-based): chr14:99,907,682, T>G. VCF-style: chr14-99907682-T-G. GRCh37 (hg19) VCF-style: chr14-100374019-T-G.
Other names: c.1110T>G, p.His370Gln (NM_001008707.2); c.1014T>G, p.His338Gln (NM_001375411.1, NM_001440377.1); c.1053T>G, p.His351Gln (NM_001375412.1); c.1071T>G, p.His357Gln (NM_001440375.1, NM_001440376.1); c.1110T>G (NM_001008707.1); short protein forms H338Q, H351Q, H357Q, H370Q.
Identifiers: ClinVar variation 4530918 (VCV004530918.2).